The following is an entry in ClinVar:

NM_015072.5(TTLL5):c.3544C>T (p.Leu1182=)

Gene: TTLL5 (tubulin tyrosine ligase like 5; plus strand). Cytogenetic location: 14q24.3.
Variant type: single nucleotide variant.
Coding change: c.3544C>T on transcript NM_015072.5 (MANE Select); coding-DNA position 3544, C replaced by T.
Protein change: p.Leu1182=; no amino-acid change (leucine 1182 retained).
Molecular consequence: synonymous variant.
Genome position (GRCh38, 1-based): chr14:75,882,706, C>T. VCF-style: chr14-75882706-C-T. GRCh37 (hg19) VCF-style: chr14-76349049-C-T.
Identifiers: ClinVar variation 710369 (VCV000710369.42), dbSNP rs143302131, ClinGen allele CA7280078.

ClinVar aggregate classification (germline): Benign/Likely benign. Review status: criteria provided, multiple submitters, no conflicts (2 of 4 stars). 5 submissions from 5 submitters: Benign (2); Likely benign (1). 2 of the submissions do not count toward it. Last evaluated 2026-09-01.

Allele frequency attached by ClinVar (database versions not stated): 1000 Genomes Project 30x 0.00125; 1000 Genomes Project 0.00140; TOPMed 0.00400; ESP Exome Variant Server 0.00561; gnomAD exomes 0.00620 and 0.00627; gnomAD 0.00628 and 0.00659; ExAC 0.00674.

Submissions (5):

CeGaT Center for Human Genetics Tuebingen
Classification: Likely benign. Last evaluated: 2026-09-01. Review status: criteria provided, single submitter. Criteria: CeGaT Center For Human Genetics Tuebingen Variant Classification Criteria Version 2. Collection method: clinical testing. Allele origin: germline. Affected: yes. Observed: 6 variant alleles.
Comment: TTLL5: BP4, BP7, BS2

Labcorp Genetics (formerly Invitae), Labcorp
Classification: Benign. Last evaluated: 2026-01-19. Review status: criteria provided, single submitter. Criteria: Invitae Variant Classification Sherloc (09022015). Collection method: clinical testing. Allele origin: germline.

Breakthrough Genomics
Classification: Benign. Review status: criteria provided, single submitter. Criteria: ACMG Guidelines, 2015. Collection method: not provided. Allele origin: germline. Inheritance: Autosomal recessive inheritance. Affected: yes.

Clinical Genetics DNA and cytogenetics Diagnostics Lab, Erasmus MC, Erasmus Medical Center
Classification: Likely benign. Review status: no assertion criteria provided. Collection method: clinical testing. Allele origin: germline. Affected: yes. Study: VKGL Data-share Consensus. Not counted in ClinVar's aggregate classification.

Clinical Genetics, Academic Medical Center
Classification: Benign. Review status: no assertion criteria provided. Collection method: clinical testing. Allele origin: germline. Affected: yes. Study: VKGL Data-share Consensus. Not counted in ClinVar's aggregate classification.